The following is an entry in ClinVar:

NM_000060.4:c.1439G>A

Variant type: single nucleotide variant.
Other names: c.1439G>A (NM_000060.4).
Identifiers: ClinVar variation 4815978 (VCV004815978.1).

ClinVar aggregate classification (germline): Likely pathogenic (1 of 4 stars; one submission).

Conditions:
Biotinidase deficiency. Also called: BTD deficiency; Late-onset biotin-responsive multiple carboxylase deficiency; Biotin deficiency. Identifiers: Orphanet 79241, MedGen C0220754, MONDO:0009665, OMIM 253260.

Submission:

Natera, Inc.
Classification: Likely pathogenic for Biotinidase deficiency. Last evaluated: 2025-07-10. Review status: criteria provided, single submitter. Criteria: Natera Variant Classification Schema (03/2026). Collection method: clinical testing. Allele origin: germline.
Comment: The c.1439G>A variant in BTD is a missense variant predicted to cause substitution of glycine to glutamic acid at amino acid 480. This variant is rare in the general population with a frequency below the threshold expected for the associated phenotype(s). This variant has been observed in one or more individuals affected with the associated recessive disease, as either homozygous or compound heterozygous with a second variant (PMID: 38141137, 37725148, 27329734). Multiple computational prediction algorithms suggest this variant is unlikely to affect gene or protein function. Given the available evidence, this variant is classified as Likely Pathogenic.

Literature cited by the submitters: PubMed 38141137; PubMed 37725148; PubMed 27329734.